The following is an entry in ClinVar:

NM_001035.3(RYR2):c.14434-15A>T

Gene: RYR2 (ryanodine receptor 2; plus strand). Cytogenetic location: 1q43.
Variant type: single nucleotide variant.
Coding change: c.14434-15A>T on transcript NM_001035.3 (MANE Select); 15 bases into the intron before coding-DNA position 14434, A replaced by T.
Molecular consequence: intron variant.
Genome position (GRCh38, 1-based): chr1:237,819,021, A>T. VCF-style: chr1-237819021-A-T. GRCh37 (hg19) VCF-style: chr1-237982321-A-T.
Identifiers: ClinVar variation 923185 (VCV000923185.7), dbSNP rs1414554358, ClinGen allele CA1139656714.

ClinVar aggregate classification (germline): Likely benign. Review status: criteria provided, multiple submitters, no conflicts (2 of 4 stars). 3 submissions from 3 submitters: Likely benign (3). Last evaluated 2025-06-29.

Conditions:
Catecholaminergic polymorphic ventricular tachycardia (CVPT). Also called: Catecholamine-induced polymorphic ventricular tachycardia. Identifiers: Orphanet 3286, MedGen C5574922, MONDO:0017990.
Cardiomyopathy (CMYO). Also called: Cardiomyopathies. Identifiers: Orphanet 167848, MedGen C0878544, MONDO:0004994, HP:0001638. Inheritance: Various modes of inheritance.
Catecholaminergic polymorphic ventricular tachycardia 1. Also called: VENTRICULAR TACHYCARDIA, CATECHOLAMINERGIC POLYMORPHIC, 1, WITH OR WITHOUT ATRIAL DYSFUNCTION AND/OR DILATED CARDIOMYOPATHY; RYR2-Related Catecholaminergic Polymorphic Ventricular Tachycardia; VENTRICULAR TACHYCARDIA, STRESS-INDUCED POLYMORPHIC 1. Identifiers: Orphanet 3286, MedGen C1631597, MONDO:0011484, OMIM 604772.

gnomAD v4.1: 1 of 1,601,858 alleles (0.000062%); highest among the groups gnomAD compares: Admixed American, 0.0017%; no homozygotes.

Submissions (3):

Labcorp Genetics (formerly Invitae), Labcorp
Classification: Likely benign for Catecholaminergic polymorphic ventricular tachycardia 1. Last evaluated: 2025-06-29. Review status: criteria provided, single submitter. Criteria: Invitae Variant Classification Sherloc (09022015). Collection method: clinical testing. Allele origin: germline.

All of Us Research Program, National Institutes of Health
Classification: Likely benign for Catecholaminergic polymorphic ventricular tachycardia. Last evaluated: 2023-10-27. Review status: criteria provided, single submitter. Criteria: ACMG Guidelines, 2015. Collection method: clinical testing. Allele origin: germline. Inheritance: Autosomal dominant inheritance. Observed: 1 variant allele, 1 heterozygote.
Comment: This study involves interpretation of variants in research participants for the purpose of population health screening. Participant phenotype was not available at the time of variant classification. Additional details can be found in publication PMID: 35346344, PMCID: PMC8962531

Color Diagnostics, LLC DBA Color Health
Classification: Likely benign for Cardiomyopathy. Last evaluated: 2019-12-04. Review status: criteria provided, single submitter. Criteria: ACMG Guidelines, 2015. Collection method: clinical testing. Allele origin: germline.